The following is an entry in ClinVar:

NM_001374736.1(DST):c.16465G>A (p.Gly5489Arg)

Gene: DST (dystonin; minus strand). Cytogenetic location: 6p12.1.
Variant type: single nucleotide variant.
Coding change: c.16465G>A on transcript NM_001374736.1 (MANE Select); coding-DNA position 16465, G replaced by A.
Protein change: p.Gly5489Arg; replaces glycine 5489 with arginine.
Molecular consequence: missense variant.
Genome position (GRCh38, 1-based): chr6:56,552,327, C>T on the plus strand (G>A on the coding strand, the complement: DST is on the minus strand). VCF-style: chr6-56552327-C-T. GRCh37 (hg19) VCF-style: chr6-56417125-C-T.
Other names: c.10108G>A, p.Gly3370Arg (NM_001144769.5); c.9694G>A, p.Gly3232Arg (NM_001144770.2); c.16465G>A, p.Gly5489Arg (NM_001374722.1); c.15832G>A, p.Gly5278Arg (NM_001374729.1); c.9574G>A, p.Gly3192Arg (NM_001374730.1, NM_001386100.1, NM_183380.4); c.16492G>A, p.Gly5498Arg (NM_001374734.1); c.8596G>A, p.Gly2866Arg (NM_015548.5); short protein forms G2866R, G3192R, G3232R, G3370R, G5278R, G5489R, G5498R.
Identifiers: ClinVar variation 1051571 (VCV001051571.8), dbSNP rs374322914, ClinGen allele CA3867681.

ClinVar aggregate classification (germline): Uncertain significance. Review status: criteria provided, multiple submitters, no conflicts (2 of 4 stars). 3 submissions from 3 submitters: Uncertain significance (3). Last evaluated 2024-05-15.

Conditions:
Inborn genetic diseases. Identifiers: MedGen C0950123, MeSH D030342.
Hereditary sensory and autonomic neuropathy type 6. Also called: Neuropathy, hereditary sensory and autonomic, type VI; HSAN VI. Identifiers: Orphanet 314381, MedGen C3539003, MONDO:0013839, OMIM 614653.
Epidermolysis bullosa simplex 3, localized or generalized intermediate, with BP230 deficiency (EBS3). Also called: Epidermolysis bullosa simplex, autosomal recessive 2; Epidermolysis bullosa simplex due to BP230 deficiency. Identifiers: Orphanet 412181, MedGen C3809470, MONDO:0014180, OMIM 615425.

Allele frequency attached by ClinVar (database versions not stated): ExAC 0.00002; gnomAD exomes 0.00002 and 0.00006; ESP Exome Variant Server 0.00008; TOPMed 0.00009; gnomAD 0.00012.
gnomAD v4.1: 54 of 1,613,828 alleles (0.0033%); highest among the groups gnomAD compares: Admixed American, 0.087%; no homozygotes.

Submissions (3):

Blueprint Genetics
Classification: Uncertain significance. Last evaluated: 2024-05-15. Review status: criteria provided, single submitter. Criteria: ACMG Guidelines, 2015. Collection method: clinical testing. Allele origin: germline.

Labcorp Genetics (formerly Invitae), Labcorp
Classification: Uncertain significance for Epidermolysis bullosa simplex 3, localized or generalized intermediate, with BP230 deficiency; Hereditary sensory and autonomic neuropathy type 6. Last evaluated: 2024-01-29. Review status: criteria provided, single submitter. Criteria: Invitae Variant Classification Sherloc (09022015). Collection method: clinical testing. Allele origin: germline.
Comment: The DST gene has multiple clinically relevant transcripts. This variant occurs in alternate transcript NM_015548.4, and corresponds to NM_001723.5:c.*63190G>A in the primary transcript. This sequence change replaces glycine, which is neutral and non-polar, with arginine, which is basic and polar, at codon 2866 of the DST protein (p.Gly2866Arg). This variant is present in population databases (rs374322914, gnomAD 0.05%). This variant has not been reported in the literature in individuals affected with DST-related conditions. ClinVar contains an entry for this variant (Variation ID: 1051571). Experimental studies and prediction algorithms are not available or were not evaluated, and the functional significance of this variant is currently unknown. In summary, the available evidence is currently insufficient to determine the role of this variant in disease. Therefore, it has been classified as a Variant of Uncertain Significance.

Ambry Genetics
Classification: Uncertain significance for Inborn genetic diseases. Last evaluated: 2020-09-28. Review status: criteria provided, single submitter. Criteria: Ambry Variant Classification Scheme 2023. Collection method: clinical testing. Allele origin: germline.
Comment: The p.G3370R variant (also known as c.10108G>A), located in coding exon 55 of the DST gene, results from a G to A substitution at nucleotide position 10108. The glycine at codon 3370 is replaced by arginine, an amino acid with dissimilar properties. This amino acid position is not well conserved in available vertebrate species. In addition, the in silico prediction for this alteration is inconclusive. Since supporting evidence is limited at this time, the clinical significance of this alteration remains unclear.